The following is an entry in ClinVar:

ClinVar aggregate classification (germline): Uncertain significance (1 of 4 stars; one submission).

Conditions:
Familial sleep-related hypermotor epilepsy. Also called: Autosomal Dominant Sleep-Related Hypermotor (Hyperkinetic) Epilepsy. Identifiers: Orphanet 98784, MedGen C3696898, MONDO:0000030.

Allele frequency attached by ClinVar (database versions not stated): ExAC 0.00001.
gnomAD v4.1: 2 of 1,614,174 alleles (0.00012%); highest among the groups gnomAD compares: Admixed American, 0.0033%; no homozygotes.

Submission:

Labcorp Genetics (formerly Invitae), Labcorp
Classification: Uncertain significance. Last evaluated: 2023-03-08. Review status: criteria provided, single submitter. Criteria: Invitae Variant Classification Sherloc (09022015). Collection method: clinical testing. Allele origin: germline.
Comment: This variant is present in population databases (rs774272679, gnomAD 0.006%). This variant has not been reported in the literature in individuals affected with CHRNB2-related conditions. ClinVar contains an entry for this variant (Variation ID: 1947023). Advanced modeling of protein sequence and biophysical properties (such as structural, functional, and spatial information, amino acid conservation, physicochemical variation, residue mobility, and thermodynamic stability) performed at Invitae indicates that this missense variant is not expected to disrupt CHRNB2 protein function. In summary, the available evidence is currently insufficient to determine the role of this variant in disease. Therefore, it has been classified as a Variant of Uncertain Significance. This sequence change replaces methionine, which is neutral and non-polar, with threonine, which is neutral and polar, at codon 477 of the CHRNB2 protein (p.Met477Thr).

NM_000748.3(CHRNB2):c.1430T>C (p.Met477Thr)

Gene: CHRNB2 (cholinergic receptor nicotinic beta 2 subunit; plus strand). Cytogenetic location: 1q21.3.
Variant type: single nucleotide variant.
Coding change: c.1430T>C on transcript NM_000748.3 (MANE Select); coding-DNA position 1430, T replaced by C.
Protein change: p.Met477Thr; replaces methionine 477 with threonine.
Molecular consequence: missense variant.
Genome position (GRCh38, 1-based): chr1:154,575,853, T>C. VCF-style: chr1-154575853-T-C. GRCh37 (hg19) VCF-style: chr1-154548329-T-C.
Other names: short protein forms M477T.
Identifiers: ClinVar variation 1947023 (VCV001947023.5), dbSNP rs774272679, ClinGen allele CA1130883.